The following is an entry in ClinVar:

NM_006269.2(RP1):c.4013T>G (p.Val1338Gly)

Gene: RP1 (RP1 axonemal microtubule associated; plus strand). Cytogenetic location: 8q12.1.
Variant type: single nucleotide variant.
Coding change: c.4013T>G on transcript NM_006269.2 (MANE Select); coding-DNA position 4013, T replaced by G.
Protein change: p.Val1338Gly; replaces valine 1338 with glycine.
Molecular consequence: missense variant. On other transcripts: intron variant (1).
Genome position (GRCh38, 1-based): chr8:54,627,895, T>G. VCF-style: chr8-54627895-T-G. GRCh37 (hg19) VCF-style: chr8-55540455-T-G.
Other names: c.787+5607T>G (NM_001375654.1); short protein forms V1338G.
Identifiers: ClinVar variation 1487247 (VCV001487247.9), dbSNP rs746414248, ClinGen allele CA4751789.
Genomic context (GRCh38, chr8:54,627,895, plus strand): 5'-AGGAGAACCATACCTATGAGGGAGCTTGCCCAATTGATGAGACCTACGTTCCTGTCAATG[T>G]CTGCAATACCATTGACTTTTTAAACTCCAAAGAAAACACATATACTGATAACTTGGATTC-3'
Protein context (NP_006260.1, residues 1328-1348): PIDETYVPVN[Val1338Gly]CNTIDFLNSK

ClinVar aggregate classification (germline): Uncertain significance. Review status: criteria provided, multiple submitters, no conflicts (2 of 4 stars). 2 submissions from 2 submitters: Uncertain significance (2). Last evaluated 2025-09-01.

Allele frequency attached by ClinVar (database versions not stated): TOPMed below 0.00001; ExAC 0.00003.
gnomAD v4.1: 10 of 1,614,196 alleles (0.00062%); highest among the groups gnomAD compares: Non-Finnish European, 0.00076%; no homozygotes.

Submissions (2):

Labcorp Genetics (formerly Invitae), Labcorp
Classification: Uncertain significance. Last evaluated: 2025-09-01. Review status: criteria provided, single submitter. Criteria: Invitae Variant Classification Sherloc (09022015). Collection method: clinical testing. Allele origin: germline.
Comment: This sequence change replaces valine, which is neutral and non-polar, with glycine, which is neutral and non-polar, at codon 1338 of the RP1 protein (p.Val1338Gly). This variant is present in population databases (rs746414248, gnomAD 0.004%). This variant has not been reported in the literature in individuals affected with RP1-related conditions. ClinVar contains an entry for this variant (Variation ID: 1487247). An algorithm developed to predict the effect of missense changes on protein structure and function (PolyPhen-2) suggests that this variant is likely to be tolerated. In summary, the available evidence is currently insufficient to determine the role of this variant in disease. Therefore, it has been classified as a Variant of Uncertain Significance.

Blueprint Genetics
Classification: Uncertain significance. Last evaluated: 2021-01-29. Review status: criteria provided, single submitter. Criteria: ACMG Guidelines, 2015. Collection method: clinical testing. Allele origin: germline.